The following is an entry in ClinVar:

NM_001042681.2(RERE):c.2861C>T (p.Pro954Leu)

Gene: RERE (arginine-glutamic acid dipeptide repeats; minus strand). Cytogenetic location: 1p36.23.
Variant type: single nucleotide variant.
Coding change: c.2861C>T on transcript NM_001042681.2 (MANE Select); coding-DNA position 2861, C replaced by T.
Protein change: p.Pro954Leu; replaces proline 954 with leucine.
Molecular consequence: missense variant.
Genome position (GRCh38, 1-based): chr1:8,360,646, G>A on the plus strand (C>T on the coding strand, the complement: RERE is on the minus strand). VCF-style: chr1-8360646-G-A. GRCh37 (hg19) VCF-style: chr1-8420706-G-A.
Other names: c.1199C>T, p.Pro400Leu (NM_001042682.2); c.2861C>T, p.Pro954Leu (NM_012102.4); short protein forms P400L, P954L.
Identifiers: ClinVar variation 976254 (VCV000976254.2), dbSNP rs1641529917, ClinGen allele CA338171753.

ClinVar aggregate classification (germline): Benign (1 of 4 stars; one submission).

Conditions:
Neurodevelopmental disorder with or without anomalies of the brain, eye, or heart (NEDBEH). Identifiers: Orphanet 494344, MedGen C5567477, MONDO:0014857, OMIM 616975.

Submission:

Institute of Human Genetics, University of Leipzig Medical Center
Classification: Benign for Neurodevelopmental disorder with or without anomalies of the brain, eye, or heart. Last evaluated: 2020-09-11. Review status: criteria provided, single submitter. Criteria: ACMG Guidelines, 2015. Collection method: clinical testing. Allele origin: unknown. Affected: yes.